The following is an entry in ClinVar:

ClinVar aggregate classification (germline): Uncertain significance (1 of 4 stars; one submission).

Allele frequency attached by ClinVar (database versions not stated): TOPMed below 0.00001; gnomAD exomes 0.00001.
gnomAD v4.1: 8 of 1,614,168 alleles (0.0005%); highest among the groups gnomAD compares: African/African-American, 0.0027%; no homozygotes.

Submission:

Labcorp Genetics (formerly Invitae), Labcorp
Classification: Uncertain significance. Last evaluated: 2023-05-27. Review status: criteria provided, single submitter. Criteria: Invitae Variant Classification Sherloc (09022015). Collection method: clinical testing. Allele origin: germline.
Comment: In summary, the available evidence is currently insufficient to determine the role of this variant in disease. Therefore, it has been classified as a Variant of Uncertain Significance. Advanced modeling of protein sequence and biophysical properties (such as structural, functional, and spatial information, amino acid conservation, physicochemical variation, residue mobility, and thermodynamic stability) performed at Invitae indicates that this missense variant is not expected to disrupt NACC1 protein function. This variant has not been reported in the literature in individuals affected with NACC1-related conditions. This variant is not present in population databases (gnomAD no frequency). This sequence change replaces threonine, which is neutral and polar, with methionine, which is neutral and non-polar, at codon 496 of the NACC1 protein (p.Thr496Met).

NM_052876.4(NACC1):c.1487C>T (p.Thr496Met)

Gene: NACC1 (nucleus accumbens associated 1; plus strand). Cytogenetic location: 19p13.13.
Variant type: single nucleotide variant.
Coding change: c.1487C>T on transcript NM_052876.4 (MANE Select); coding-DNA position 1487, C replaced by T.
Protein change: p.Thr496Met; replaces threonine 496 with methionine.
Molecular consequence: missense variant.
Genome position (GRCh38, 1-based): chr19:13,138,309, C>T. VCF-style: chr19-13138309-C-T. GRCh37 (hg19) VCF-style: chr19-13249123-C-T.
Other names: short protein forms T496M.
Identifiers: ClinVar variation 2789773 (VCV002789773.3), dbSNP rs2019735082, ClinGen allele CA404330224.
Genomic context (GRCh38, chr19:13,138,309, plus strand): 5'-TGCCCAAGGTCAAGGTGCTCAAGGCTGAGGATGACGCCTACACCACCTTCATCAGTGAAA[C>T]GGGCAAGATCGAGCCGGACATGATGGGTGTGGAGCATGGCTTCGAGACCGCCAGCCACGA-3'
Protein context (NP_443108.1, residues 486-506): DDAYTTFISE[Thr496Met]GKIEPDMMGV